The following is an entry in ClinVar:

ClinVar aggregate classification (germline): Likely benign (1 of 4 stars; one submission).

gnomAD v4.1: 4 of 1,611,592 alleles (0.00025%); highest among the groups gnomAD compares: East Asian, 0.0022%; no homozygotes.

Submission:

Women's Health and Genetics/Laboratory Corporation of America, LabCorp
Classification: Likely benign. Last evaluated: 2026-02-23. Review status: criteria provided, single submitter. Criteria: LabCorp Variant Classification Summary - May 2015. Collection method: clinical testing. Allele origin: germline.
Comment: Variant summary: PKD1 c.4269C>A results in a synonymous change. Consensus agreement among computation tools predict no significant impact on normal splicing. However, these predictions have yet to be confirmed by functional studies. The frequency data for this variant in gnomAD is considered unreliable, as metrics indicate poor data quality at this position. To our knowledge, no occurrence of c.4269C>A in individuals affected with PKD1-related conditions and no experimental evidence demonstrating its impact on protein function have been reported. No submitters have cited clinical-significance assessments for this variant to ClinVar. Based on the evidence outlined above, the variant was classified as likely benign.

NM_001009944.3(PKD1):c.4269C>A (p.Pro1423=)

Gene: PKD1 (polycystin 1, transient receptor potential channel interacting; minus strand). Cytogenetic location: 16p13.3.
Variant type: single nucleotide variant.
Coding change: c.4269C>A on transcript NM_001009944.3 (MANE Select); coding-DNA position 4269, C replaced by A.
Protein change: p.Pro1423=; no amino-acid change (proline 1423 retained).
Molecular consequence: synonymous variant.
Genome position (GRCh38, 1-based): chr16:2,110,898, G>T on the plus strand (C>A on the coding strand, the complement: PKD1 is on the minus strand). VCF-style: chr16-2110898-G-T. GRCh37 (hg19) VCF-style: chr16-2160899-G-T.
Other names: c.4269C>A, p.Pro1423= (NM_000296.4).
Identifiers: ClinVar variation 4848177 (VCV004848177.1).
Genomic context (GRCh38, chr16:2,110,898, plus strand): 5'-CACAAGATAGGAGCCTGGGTCTCGGTAGATGAACGTCACCTCAGGGCCCCTGGCACGGGT[G>T]GGGGCGGCTTCCTCGGTGCCAAAGTCCCAGGTGTAGCGGTAGGGGAACGGGGGCCAGGCA-3'
Protein context (NP_001009944.3, residues 1413-1433): TWDFGTEEAA[Pro1423=]TRARGPEVTF